The following is an entry in ClinVar:

ClinVar aggregate classification (germline): Uncertain significance (1 of 4 stars; one submission).

Conditions:
Familial adenomatous polyposis 1 (FAP1). Also called: FAMILIAL ADENOMATOUS POLYPOSIS 1, ATTENUATED; POLYPOSIS, ADENOMATOUS INTESTINAL. Identifiers: MedGen C2713442, MONDO:0021056, OMIM 175100. Disease mechanism: loss of function.

Allele frequency attached by ClinVar (database versions not stated): gnomAD exomes below 0.00001.
gnomAD v4.1: 4 of 1,370,582 alleles (0.00029%); highest among the groups gnomAD compares: Non-Finnish European, 0.00039%; no homozygotes.

Submission:

Labcorp Genetics (formerly Invitae), Labcorp
Classification: Uncertain significance for Familial adenomatous polyposis 1. Last evaluated: 2023-08-07. Review status: criteria provided, single submitter. Criteria: Invitae Variant Classification Sherloc (09022015). Collection method: clinical testing. Allele origin: germline.
Comment: In summary, the available evidence is currently insufficient to determine the role of this variant in disease. Therefore, it has been classified as a Variant of Uncertain Significance. Experimental studies and prediction algorithms are not available or were not evaluated, and the functional significance of this variant is currently unknown. This variant has not been reported in the literature in individuals affected with APC-related conditions. This variant is not present in population databases (gnomAD no frequency). This variant occurs in a non-coding region of the APC gene. It does not change the encoded amino acid sequence of the APC protein.

NM_001127511.3(APC):c.103C>G (p.Arg35Gly)

Gene: APC (APC regulator of Wnt signaling pathway; plus strand). Cytogenetic location: 5q22.2.
Variant type: single nucleotide variant.
Coding change: c.103C>G on transcript NM_001127511.3; coding-DNA position 103, C replaced by G.
Protein change: p.Arg35Gly; replaces arginine 35 with glycine.
Molecular consequence: missense variant. On other transcripts: 5 prime UTR variant (8), non-coding transcript variant (1), intron variant (5).
Genome position (GRCh38, 1-based): chr5:112,707,820, C>G. VCF-style: chr5-112707820-C-G. GRCh37 (hg19) VCF-style: chr5-112043517-C-G.
Other names: c.-81C>G (NM_001354895.2, NM_001407447.1, NM_001407452.1 and 3 more transcripts); c.103C>G, p.Arg35Gly (NM_001354897.2, NM_001354902.2, NM_001407446.1); c.-1116C>G (NM_001407470.1, NM_001407472.1); c.-19+171C>G (NM_001407448.1, NM_001407450.1, NM_001407457.1 and 1 more transcripts); c.-43+171C>G (NM_001407453.1); short protein forms R35G.
Identifiers: ClinVar variation 1020829 (VCV001020829.7), dbSNP rs1554060293, ClinGen allele CA360611990.